The following is an entry in ClinVar:

NM_006213.5(PHKG1):c.621C>T (p.Tyr207=)

Genes: PHKG1 (phosphorylase kinase catalytic subunit gamma 1; minus strand), SUMF2 (sulfatase modifying factor 2; plus strand). Cytogenetic location: 7p11.2.
Variant type: single nucleotide variant.
Coding change: c.621C>T on transcript NM_006213.5 (MANE Select); coding-DNA position 621, C replaced by T.
Protein change: p.Tyr207=; no amino-acid change (tyrosine 207 retained).
Molecular consequence: synonymous variant. On other transcripts: non-coding transcript variant (1).
Genome position (GRCh38, 1-based): chr7:56,082,180, G>A on the plus strand (C>T on the coding strand, the complement: PHKG1 is on the minus strand). VCF-style: chr7-56082180-G-A. GRCh37 (hg19) VCF-style: chr7-56149873-G-A.
Other names: c.717C>T, p.Tyr239= (NM_001258459.2); c.594C>T, p.Tyr198= (NM_001258460.2).
Identifiers: ClinVar variation 5039137 (VCV005039137.1).

ClinVar aggregate classification (germline): Likely benign (1 of 4 stars; one submission).

gnomAD v4.1: 236 of 1,613,838 alleles (0.015%); highest among the groups gnomAD compares: South Asian, 0.21%; 3 homozygotes.

Submission:

CeGaT Center for Human Genetics Tuebingen
Classification: Likely benign. Last evaluated: 2026-07-01. Review status: criteria provided, single submitter. Criteria: CeGaT Center For Human Genetics Tuebingen Variant Classification Criteria Version 2. Collection method: clinical testing. Allele origin: germline. Affected: yes. Observed: 1 variant allele.
Comment: PHKG1: BP4, BP7